The following is an entry in ClinVar:

ClinVar aggregate classification (germline): Uncertain significance (1 of 4 stars; one submission).

Allele frequency attached by ClinVar (database versions not stated): gnomAD exomes 0.00001; TOPMed 0.00001.

Submission:

Labcorp Genetics (formerly Invitae), Labcorp
Classification: Uncertain significance. Last evaluated: 2022-03-19. Review status: criteria provided, single submitter. Criteria: Invitae Variant Classification Sherloc (09022015). Collection method: clinical testing. Allele origin: germline.
Comment: In summary, the available evidence is currently insufficient to determine the role of this variant in disease. Therefore, it has been classified as a Variant of Uncertain Significance. Algorithms developed to predict the effect of missense changes on protein structure and function output the following: SIFT: "Tolerated"; PolyPhen-2: "Benign"; Align-GVGD: "Class C0". The arginine amino acid residue is found in multiple mammalian species, which suggests that this missense change does not adversely affect protein function. This variant has not been reported in the literature in individuals affected with NPY-related conditions. This variant is not present in population databases (gnomAD no frequency). This sequence change replaces glycine, which is neutral and non-polar, with arginine, which is basic and polar, at codon 11 of the NPY protein (p.Gly11Arg).

NM_000905.4(NPY):c.31G>A (p.Gly11Arg)

Gene: NPY (neuropeptide Y; plus strand). Cytogenetic location: 7p15.3.
Variant type: single nucleotide variant.
Coding change: c.31G>A on transcript NM_000905.4 (MANE Select); coding-DNA position 31, G replaced by A.
Protein change: p.Gly11Arg; replaces glycine 11 with arginine.
Molecular consequence: missense variant.
Genome position (GRCh38, 1-based): chr7:24,285,271, G>A. VCF-style: chr7-24285271-G-A. GRCh37 (hg19) VCF-style: chr7-24324890-G-A.
Other names: short protein forms G11R.
Identifiers: ClinVar variation 1900667 (VCV001900667.5), dbSNP rs961184030, ClinGen allele CA155829086.